The following is an entry in ClinVar:

ClinVar aggregate classification (germline): Likely benign. Review status: criteria provided, multiple submitters, no conflicts (2 of 4 stars). 8 submissions from 8 submitters: Likely benign (8). Last evaluated 2026-01-07.

Conditions:
Cardiac arrhythmia. Also called: Arrhythmia; Cardiac rhythm disease. Identifiers: MedGen C0003811, MONDO:0007263, HP:0011675.
KCNQ1-related disorder. Also called: KCNQ1-related disorders; KCNQ1-related condition. Identifiers: MedGen CN239322.
Long QT syndrome (LQTS). Identifiers: MedGen C0023976, MeSH D008133, MONDO:0002442. Disease mechanism: loss of function. Inheritance: Various modes of inheritance.
Cardiovascular phenotype. Identifiers: MedGen CN230736.

Allele frequency attached by ClinVar (database versions not stated): gnomAD exomes 0.00001; gnomAD 0.00002 and 0.00003; TOPMed 0.00002; ExAC 0.00003; ESP Exome Variant Server 0.00008; 1000 Genomes Project 30x 0.00016; 1000 Genomes Project 0.00020.
gnomAD v4.1: 20 of 1,612,686 alleles (0.0012%); highest among the groups gnomAD compares: Admixed American, 0.0033%; no homozygotes.

Submissions (8):

Labcorp Genetics (formerly Invitae), Labcorp
Classification: Likely benign for Long QT syndrome. Last evaluated: 2026-01-07. Review status: criteria provided, single submitter. Criteria: Invitae Variant Classification Sherloc (09022015). Collection method: clinical testing. Allele origin: germline.

Molecular Diagnostic Laboratory for Inherited Cardiovascular Disease, Montreal Heart Institute
Classification: Likely benign. Last evaluated: 2025-04-09. Review status: criteria provided, single submitter. Criteria: ACMG Guidelines, 2015. Collection method: clinical testing. Allele origin: germline. Affected: no.
Comment: BP6;BP7

PreventionGenetics, part of Exact Sciences
Classification: Likely benign for KCNQ1-related condition. Last evaluated: 2024-11-18. Review status: criteria provided, single submitter. Criteria: ACMG Guidelines, 2015. Collection method: clinical testing. Allele origin: germline.
Comment: This variant is classified as likely benign based on ACMG/AMP sequence variant interpretation guidelines (Richards et al. 2015 PMID: 25741868, with internal and published modifications).

Ambry Genetics
Classification: Likely benign for Cardiovascular phenotype. Last evaluated: 2024-08-28. Review status: criteria provided, single submitter. Criteria: Ambry Variant Classification Scheme 2023. Collection method: clinical testing. Allele origin: germline.

All of Us Research Program, National Institutes of Health
Classification: Likely benign for Long QT syndrome. Last evaluated: 2024-01-11. Review status: criteria provided, single submitter. Criteria: ACMG Guidelines, 2015. Collection method: clinical testing. Allele origin: germline. Inheritance: Autosomal dominant inheritance. Observed: 4 variant alleles, 4 heterozygotes.
Comment: This study involves interpretation of variants in research participants for the purpose of population health screening. Participant phenotype was not available at the time of variant classification. Additional details can be found in publication PMID: 35346344, PMCID: PMC8962531

Blueprint Genetics
Classification: Likely benign. Last evaluated: 2023-04-14. Review status: criteria provided, single submitter. Criteria: ACMG Guidelines, 2015. Collection method: clinical testing. Allele origin: germline.

Color Diagnostics, LLC DBA Color Health
Classification: Likely benign for Arrhythmia. Last evaluated: 2018-12-16. Review status: criteria provided, single submitter. Criteria: ACMG Guidelines, 2015. Collection method: clinical testing. Allele origin: germline.

Laboratory for Molecular Medicine, Mass General Brigham Personalized Medicine
Classification: Likely benign. Last evaluated: 2016-11-13. Review status: criteria provided, single submitter. Criteria: LMM Criteria. Collection method: clinical testing. Allele origin: germline. Observed: 1 variant allele.
Comment: p.Thr169Thr in exon 3 of KCNQ1: This variant is not expected to have clinical si gnificance because it does not alter an amino acid residue and is not located wi thin the splice consensus sequence. It has been identified in 2/11460 Latino chr omosomes by the Exome Aggregation Consortium (ExAC, rg; dbSNP rs375845797).

NM_000218.3(KCNQ1):c.507G>A (p.Thr169=)

Gene: KCNQ1 (potassium voltage-gated channel subfamily Q member 1; plus strand). Cytogenetic location: 11p15.5.
Variant type: single nucleotide variant.
Coding change: c.507G>A on transcript NM_000218.3 (MANE Select); coding-DNA position 507, G replaced by A.
Protein change: p.Thr169=; no amino-acid change (threonine 169 retained).
Molecular consequence: synonymous variant. On other transcripts: intron variant (1).
Genome position (GRCh38, 1-based): chr11:2,570,657, G>A. VCF-style: chr11-2570657-G-A. GRCh37 (hg19) VCF-style: chr11-2591887-G-A.
Other names: c.507G>A, p.Thr169= (NM_001406836.1); c.237G>A, p.Thr79= (NM_001406837.1); c.126G>A, p.Thr42= (NM_181798.2); c.478-12778G>A (NM_001406838.1).
Identifiers: ClinVar variation 504601 (VCV000504601.19), dbSNP rs375845797, ClinGen allele CA038081.
Genomic context (GRCh38, chr11:2,570,657, plus strand): 5'-CTGCAGTGAGCGTCCCACTCTGTCCCTGCAGGAGATCGTGCTGGTGGTGTTCTTCGGGAC[G>A]GAGTACGTGGTCCGCCTCTGGTCCGCCGGCTGCCGCAGCAAGTACGTGGGCCTCTGGGGG-3'
Protein context (NP_000209.2, residues 159-179): MEIVLVVFFG[Thr169=]EYVVRLWSAG